The following is an entry in ClinVar:

ClinVar aggregate classification (germline): Uncertain significance (1 of 4 stars; one submission).

Submission:

Labcorp Genetics (formerly Invitae), Labcorp
Classification: Uncertain significance. Last evaluated: 2022-05-30. Review status: criteria provided, single submitter. Criteria: Invitae Variant Classification Sherloc (09022015). Collection method: clinical testing. Allele origin: germline.
Comment: Algorithms developed to predict the effect of missense changes on protein structure and function (SIFT, PolyPhen-2, Align-GVGD) all suggest that this variant is likely to be disruptive. In summary, the available evidence is currently insufficient to determine the role of this variant in disease. Therefore, it has been classified as a Variant of Uncertain Significance. This sequence change replaces serine, which is neutral and polar, with arginine, which is basic and polar, at codon 785 of the ITGAM protein (p.Ser785Arg). This variant is not present in population databases (gnomAD no frequency). This variant has not been reported in the literature in individuals affected with ITGAM-related conditions.

NM_000632.4(ITGAM):c.2353A>C (p.Ser785Arg)

Gene: ITGAM (integrin subunit alpha M; plus strand). Cytogenetic location: 16p11.2.
Variant type: single nucleotide variant.
Coding change: c.2353A>C on transcript NM_000632.4 (MANE Select); coding-DNA position 2353, A replaced by C.
Protein change: p.Ser785Arg; replaces serine 785 with arginine.
Molecular consequence: missense variant.
Genome position (GRCh38, 1-based): chr16:31,325,021, A>C. VCF-style: chr16-31325021-A-C. GRCh37 (hg19) VCF-style: chr16-31336342-A-C.
Other names: c.2356A>C, p.Ser786Arg (NM_001145808.2); short protein forms S786R, S785R.
Identifiers: ClinVar variation 2001032 (VCV002001032.4), dbSNP rs2544496639, ClinGen allele CA395690269.